The following is an entry in ClinVar:

NM_015021.3(ZNF292):c.7505C>A (p.Thr2502Asn)

Gene: ZNF292 (zinc finger protein 292; plus strand). Cytogenetic location: 6q14.3.
Variant type: single nucleotide variant.
Coding change: c.7505C>A on transcript NM_015021.3 (MANE Select); coding-DNA position 7505, C replaced by A.
Protein change: p.Thr2502Asn; replaces threonine 2502 with asparagine.
Molecular consequence: missense variant.
Genome position (GRCh38, 1-based): chr6:87,261,134, C>A. VCF-style: chr6-87261134-C-A. GRCh37 (hg19) VCF-style: chr6-87970852-C-A.
Other names: c.7085C>A, p.Thr2362Asn (NM_001351444.2); short protein forms T2362N, T2502N.
Identifiers: ClinVar variation 2635797 (VCV002635797.1), dbSNP rs2482372264, ClinGen allele CA364943654.
Genomic context (GRCh38, chr6:87,261,134, plus strand): 5'-ATGAACTAACAGAATTGTTTATTACAAAATTAATAAATGAAGATAGCACAAGTGTAGAGA[C>A]CCAAGCTAATACTTCTTCAAATGTAAGTAATGATTTTCAGGAAGATAACCTCTGCCAGTC-3'
Protein context (NP_055836.1, residues 2492-2512): LINEDSTSVE[Thr2502Asn]QANTSSNVSN

ClinVar aggregate classification (germline): Uncertain significance (1 of 4 stars; one submission).

Conditions:
ZNF292-related disorder. Also called: ZNF292-related condition.

Submission:

PreventionGenetics, part of Exact Sciences
Classification: Uncertain significance for ZNF292-related condition. Last evaluated: 2023-06-13. Review status: criteria provided, single submitter. Criteria: ACMG Guidelines, 2015. Collection method: clinical testing. Allele origin: germline.
Comment: The ZNF292 c.7505C>A variant is predicted to result in the amino acid substitution p.Thr2502Asn. To our knowledge, this variant has not been reported in the literature or in a large population database, indicating this variant is rare. At this time, the clinical significance of this variant is uncertain due to the absence of conclusive functional and genetic evidence.